The following is an entry in ClinVar:

NM_001122681.2(SH3BP2):c.1436A>G (p.Glu479Gly)

Gene: SH3BP2 (SH3 domain binding protein 2; plus strand). Cytogenetic location: 4p16.3.
Variant type: single nucleotide variant.
Coding change: c.1436A>G on transcript NM_001122681.2 (MANE Select); coding-DNA position 1436, A replaced by G.
Protein change: p.Glu479Gly; replaces glutamic acid 479 with glycine.
Molecular consequence: missense variant.
Genome position (GRCh38, 1-based): chr4:2,832,360, A>G. VCF-style: chr4-2832360-A-G. GRCh37 (hg19) VCF-style: chr4-2834087-A-G.
Other names: c.1520A>G, p.Glu507Gly (NM_001145855.2); c.1607A>G, p.Glu536Gly (NM_001145856.2); c.1436A>G, p.Glu479Gly (NM_003023.4); short protein forms E479G, E507G, E536G.
Identifiers: ClinVar variation 1716050 (VCV001716050.5), dbSNP rs2530360996, ClinGen allele CA356058675.
Genomic context (GRCh38, chr4:2,832,360, plus strand): 5'-CTCACCCGCTAATATGACTGTCTTATTTTAGGTTGTTCAAGGCTACAAGCCCCCGGGGAG[A>G]GCCCCAGGATGGACTCTACTGCATCCGGAACTCCTCTACCAAGTCGGGGAAGGTAGGCGC-3'
Protein context (NP_001116153.1, residues 469-489): RLFKATSPRG[Glu479Gly]PQDGLYCIRN

ClinVar aggregate classification (germline): Uncertain significance (1 of 4 stars; one submission).

Conditions:
Fibrous dysplasia of jaw (CRBM). Also called: Cherubism. Identifiers: Orphanet 184, MedGen C0008029, MONDO:0007315, OMIM 118400.

Allele frequency attached by ClinVar (database versions not stated): gnomAD exomes below 0.00001.

Submission:

Labcorp Genetics (formerly Invitae), Labcorp
Classification: Uncertain significance for Fibrous dysplasia of jaw. Last evaluated: 2022-08-10. Review status: criteria provided, single submitter. Criteria: Invitae Variant Classification Sherloc (09022015). Collection method: clinical testing. Allele origin: germline.
Comment: This variant is not present in population databases (gnomAD no frequency). This sequence change replaces glutamic acid, which is acidic and polar, with glycine, which is neutral and non-polar, at codon 479 of the SH3BP2 protein (p.Glu479Gly). This variant has not been reported in the literature in individuals affected with SH3BP2-related conditions. Algorithms developed to predict the effect of missense changes on protein structure and function (SIFT, PolyPhen-2, Align-GVGD) all suggest that this variant is likely to be tolerated. In summary, the available evidence is currently insufficient to determine the role of this variant in disease. Therefore, it has been classified as a Variant of Uncertain Significance.